The following is an entry in ClinVar:

NM_003151.4(STAT4):c.1716-19A>G

Gene: STAT4 (signal transducer and activator of transcription 4; minus strand). Cytogenetic location: 2q32.2.
Variant type: single nucleotide variant.
Coding change: c.1716-19A>G on transcript NM_003151.4 (MANE Select); 19 bases into the intron before coding-DNA position 1716, A replaced by G.
Molecular consequence: intron variant.
Genome position (GRCh38, 1-based): chr2:191,033,645, T>C on the plus strand (A>G on the coding strand, the complement: STAT4 is on the minus strand). VCF-style: chr2-191033645-T-C. GRCh37 (hg19) VCF-style: chr2-191898371-T-C.
Other names: c.1716-19A>G (NM_001243835.2).
Identifiers: ClinVar variation 4772169 (VCV004772169.1).
Genomic context (GRCh38, chr2:191,033,645, plus strand): 5'-AACAGCCGTTCCTTCTCTTTGCTAACAAAGCCCATGACATACCTAAAAATAGAACATGCA[T>C]TATTTCATCTGATCATTATTGGATTTTCACTTATTGCATTTACAAAGACCTACAGTTTGT-3'

ClinVar aggregate classification (germline): Uncertain significance (1 of 4 stars; one submission).

Submission:

Labcorp Genetics (formerly Invitae), Labcorp
Classification: Uncertain significance. Last evaluated: 2025-02-27. Review status: criteria provided, single submitter. Criteria: Invitae Variant Classification Sherloc (09022015). Collection method: clinical testing. Allele origin: germline.
Comment: This sequence change falls in intron 19 of the STAT4 gene. It does not directly change the encoded amino acid sequence of the STAT4 protein. This variant is not present in population databases (gnomAD no frequency). This variant has not been reported in the literature in individuals affected with STAT4-related conditions. Algorithms developed to predict the effect of sequence changes on RNA splicing suggest that this variant may disrupt the consensus splice site. In summary, the available evidence is currently insufficient to determine the role of this variant in disease. Therefore, it has been classified as a Variant of Uncertain Significance.